The following is an entry in ClinVar:

ClinVar aggregate classification (germline): Uncertain significance. Review status: criteria provided, multiple submitters, no conflicts (2 of 4 stars). 3 submissions from 3 submitters: Uncertain significance (3). Last evaluated 2026-07-25.

Conditions:
ARSG-related disorder. Also called: ARSG-related condition.

Allele frequency attached by ClinVar (database versions not stated): ExAC 0.00002; gnomAD exomes 0.00003 and 0.00006; TOPMed 0.00005; gnomAD 0.00006 and 0.00007; ESP Exome Variant Server 0.00008.
gnomAD v4.1: 103 of 1,613,904 alleles (0.0064%); highest among the groups gnomAD compares: Non-Finnish European, 0.0075%; no homozygotes.

Submissions (3):

PreventionGenetics, part of Exact Sciences
Classification: Uncertain significance for ARSG-related condition. Last evaluated: 2026-07-25. Review status: criteria provided, single submitter. Criteria: ACMG Guidelines, 2015. Collection method: clinical testing. Allele origin: germline.
Comment: The ARSG c.1004C>T variant is predicted to result in the amino acid substitution p.Thr335Met. This variant was reported in the compound heterozygous state in a patient with late onset Usher syndrome (Igelman et al. 2021. PubMed ID: 34223797). This variant is reported in 0.0070% of alleles in individuals of European (Non-Finnish) descent in gnomAD. Although we suspect that this variant may be pathogenic, at this time, the clinical significance of this variant is uncertain due to the absence of conclusive functional and genetic evidence.

Blueprint Genetics
Classification: Uncertain significance. Last evaluated: 2022-11-17. Review status: criteria provided, single submitter. Criteria: ACMG Guidelines, 2015. Collection method: clinical testing. Allele origin: germline.

Labcorp Genetics (formerly Invitae), Labcorp
Classification: Uncertain significance. Last evaluated: 2022-03-18. Review status: criteria provided, single submitter. Criteria: Invitae Variant Classification Sherloc (09022015). Collection method: clinical testing. Allele origin: germline.
Comment: This sequence change replaces threonine, which is neutral and polar, with methionine, which is neutral and non-polar, at codon 335 of the ARSG protein (p.Thr335Met). This variant is present in population databases (rs147264809, gnomAD 0.006%). This missense change has been observed in individual(s) with clinical features of Usher syndrome (Invitae). Algorithms developed to predict the effect of missense changes on protein structure and function are either unavailable or do not agree on the potential impact of this missense change (SIFT: "Deleterious"; PolyPhen-2: "Probably Damaging"; Align-GVGD: "Class C15"). In summary, the available evidence is currently insufficient to determine the role of this variant in disease. Therefore, it has been classified as a Variant of Uncertain Significance.

NM_001267727.2(ARSG):c.1004C>T (p.Thr335Met)

Gene: ARSG (arylsulfatase G; plus strand). Cytogenetic location: 17q24.2.
Variant type: single nucleotide variant.
Coding change: c.1004C>T on transcript NM_001267727.2 (MANE Select); coding-DNA position 1004, C replaced by T.
Protein change: p.Thr335Met; replaces threonine 335 with methionine.
Molecular consequence: missense variant.
Genome position (GRCh38, 1-based): chr17:68,385,085, C>T. VCF-style: chr17-68385085-C-T. GRCh37 (hg19) VCF-style: chr17-66381226-C-T.
Other names: c.1004C>T, p.Thr335Met (NM_001352899.2, NM_001352900.2, NM_001352901.2 and 3 more transcripts); c.1001C>T, p.Thr334Met (NM_001352903.2, NM_001352904.2, NM_001352905.2 and 2 more transcripts); c.956C>T, p.Thr319Met (NM_001352909.2); c.1004C>T (NM_014960.4); short protein forms T319M, T334M, T335M.
Identifiers: ClinVar variation 1356834 (VCV001356834.7), dbSNP rs147264809, ClinGen allele CA8728446.
Genomic context (GRCh38, chr17:68,385,085, plus strand): 5'-TCACCATGGATGAACCAGCTGCCTCCCCTCCTCTCACAGGGGGAAGTCCAGCCAAGCAGA[C>T]GACCTGGGAAGGAGGGCACCGGGTCCCAGCACTGGCTTACTGGCCTGGCAGAGTTCCAGT-3'
Protein context (NP_001254656.1, residues 325-345): TRQGGSPAKQ[Thr335Met]TWEGGHRVPA